The following is an entry in ClinVar:

ClinVar aggregate classification (germline): Uncertain significance (1 of 4 stars; one submission).

Conditions:
von Willebrand disease type 2 (VWD2). Also called: VWD, TYPE 2; VON WILLEBRAND DISEASE, TYPE 2A/IIE; VON WILLEBRAND DISEASE, TYPE 2CB; VON WILLEBRAND DISEASE, TYPE II. Identifiers: Orphanet 166081, Orphanet 903, MedGen C1264040, MONDO:0013304, OMIM 613554.
von Willebrand disease type 1 (VWD1). Also called: VWD, TYPE 1; VON WILLEBRAND DISEASE, TYPE I. Identifiers: Orphanet 166078, Orphanet 903, MedGen C1264039, MONDO:0008668, OMIM 193400. Inheritance: autosomal recessive or autosomal dominant.
von Willebrand disease type 3 (VWD3). Also called: Type 3 Von Willebrand's disease; Type 3 VWD; Von Willebrand disease, severe form; V WD3; VON WILLEBRAND DISEASE, TYPE III. Identifiers: Orphanet 166096, MedGen C1264041, MONDO:0010191, OMIM 277480.

gnomAD v4.1: 3 of 1,613,918 alleles (0.00019%); highest among the groups gnomAD compares: Non-Finnish European, 0.00025%; no homozygotes.

Submission:

Juno Genomics, Hangzhou Juno Genomics, Inc
Classification: Uncertain significance for von Willebrand disease type 1; von Willebrand disease type 3; von Willebrand disease type 2. Review status: criteria provided, single submitter. Criteria: ACMG Guidelines, 2015. Collection method: clinical testing. Allele origin: germline.
Comment: Absent from controls (or at extremely low frequency if recessive) in Genome Aggregation Database.;Missense variant in a gene that has a low rate of benign missense variation.;Multiple lines of computational evidence support a deleterious effect on the gene or gene product.

NM_000552.5(VWF):c.4051G>A (p.Gly1351Ser)

Gene: VWF (von Willebrand factor; minus strand). Cytogenetic location: 12p13.31.
Variant type: single nucleotide variant.
Coding change: c.4051G>A on transcript NM_000552.5 (MANE Select); coding-DNA position 4051, G replaced by A.
Protein change: p.Gly1351Ser; replaces glycine 1351 with serine.
Molecular consequence: missense variant.
Genome position (GRCh38, 1-based): chr12:6,019,367, C>T on the plus strand (G>A on the coding strand, the complement: VWF is on the minus strand). VCF-style: chr12-6019367-C-T. GRCh37 (hg19) VCF-style: chr12-6128533-C-T.
Other names: short protein forms G1351S.
Identifiers: ClinVar variation 5005146 (VCV005005146.2).